The following is an entry in ClinVar:

NM_000548.5(TSC2):c.635C>G (p.Ser212Cys)

Gene: TSC2 (TSC complex subunit 2; plus strand). Cytogenetic location: 16p13.3.
Variant type: single nucleotide variant.
Coding change: c.635C>G on transcript NM_000548.5 (MANE Select); coding-DNA position 635, C replaced by G.
Protein change: p.Ser212Cys; replaces serine 212 with cysteine.
Molecular consequence: missense variant. On other transcripts: 5 prime UTR variant (10), non-coding transcript variant (5).
Genome position (GRCh38, 1-based): chr16:2,056,231, C>G. VCF-style: chr16-2056231-C-G. GRCh37 (hg19) VCF-style: chr16-2106232-C-G.
Other names: c.635C>G, p.Ser212Cys (NM_001077183.3, NM_001114382.3, NM_001406663.1 and 8 more transcripts); c.524C>G, p.Ser175Cys (NM_001318827.2, NM_001406670.1, NM_001406678.1); c.488C>G, p.Ser163Cys (NM_001318829.2, NM_001406675.1, NM_001406676.1 and 1 more transcripts); c.35C>G, p.Ser12Cys (NM_001318831.2, NM_001406686.1, NM_001406687.1 and 6 more transcripts); c.668C>G, p.Ser223Cys (NM_001318832.2); c.725C>G, p.Ser242Cys (NM_001406667.1, NM_001406668.1); c.-797C>G (NM_001406689.1, NM_001406690.1, NM_001406691.1 and 3 more transcripts); c.-678C>G (NM_001406694.1, NM_001406695.1); and 4 more; short protein forms S212C, S163C, S193C, S223C, S12C, S175C, S242C, S58C.
Identifiers: ClinVar variation 2794747 (VCV002794747.3), dbSNP rs2085795216, ClinGen allele CA394310949.

ClinVar aggregate classification (germline): Uncertain significance (1 of 4 stars; one submission).

Conditions:
Tuberous sclerosis 2 (TSC2). Identifiers: Orphanet 805, MedGen C1860707, MONDO:0013199, OMIM 613254.

Submission:

Labcorp Genetics (formerly Invitae), Labcorp
Classification: Uncertain significance for Tuberous sclerosis 2. Last evaluated: 2022-12-09. Review status: criteria provided, single submitter. Criteria: Invitae Variant Classification Sherloc (09022015). Collection method: clinical testing. Allele origin: germline.
Comment: In summary, the available evidence is currently insufficient to determine the role of this variant in disease. Therefore, it has been classified as a Variant of Uncertain Significance. Advanced modeling of protein sequence and biophysical properties (such as structural, functional, and spatial information, amino acid conservation, physicochemical variation, residue mobility, and thermodynamic stability) performed at Invitae indicates that this missense variant is not expected to disrupt TSC2 protein function. This variant has not been reported in the literature in individuals affected with TSC2-related conditions. This variant is not present in population databases (gnomAD no frequency). This sequence change replaces serine, which is neutral and polar, with cysteine, which is neutral and slightly polar, at codon 212 of the TSC2 protein (p.Ser212Cys).